The following is an entry in ClinVar:

ClinVar aggregate classification (germline): Conflicting classifications of pathogenicity. Review status: criteria provided, conflicting classifications (1 of 4 stars). 7 submissions from 7 submitters: Uncertain significance (4); Likely benign (3). Last evaluated 2025-04-22.

Conditions:
Inborn genetic diseases. Identifiers: MedGen C0950123, MeSH D030342.
Autosomal recessive ataxia, Beauce type. Also called: Spinocerebellar ataxia, autosomal recessive 8; ATAXIA, RECESSIVE, OF BEAUCE; SYNE1 Deficiency; SYNE1-Related Autosomal Recessive Cerebellar Ataxia. Identifiers: Orphanet 88644, MedGen C1853116, MONDO:0012549, OMIM 610743.
Emery-Dreifuss muscular dystrophy 4, autosomal dominant (EDMD4). Also called: EMERY-DREIFUSS MUSCULAR DYSTROPHY 4 WITH VARIABLE FEATURES. Identifiers: Orphanet 261, MedGen C2751807, MONDO:0013071, OMIM 612998.

Allele frequency attached by ClinVar (database versions not stated): ESP Exome Variant Server 0.00008; ExAC 0.00012; gnomAD exomes 0.00014 and 0.00015; gnomAD 0.00016; TOPMed 0.00016.
gnomAD v4.1: 249 of 1,608,106 alleles (0.015%); highest among the groups gnomAD compares: Admixed American, 0.015%; 1 homozygote.

Submissions (7):

Labcorp Genetics (formerly Invitae), Labcorp
Classification: Uncertain significance for Emery-Dreifuss muscular dystrophy 4, autosomal dominant; Autosomal recessive ataxia, Beauce type. Last evaluated: 2025-04-22. Review status: criteria provided, single submitter. Criteria: Invitae Variant Classification Sherloc (09022015). Collection method: clinical testing. Allele origin: germline.
Comment: This sequence change replaces threonine, which is neutral and polar, with methionine, which is neutral and non-polar, at codon 3850 of the SYNE1 protein (p.Thr3850Met). This variant is present in population databases (rs202173395, gnomAD 0.2%). This variant has not been reported in the literature in individuals affected with SYNE1-related conditions. ClinVar contains an entry for this variant (Variation ID: 288306). An algorithm developed to predict the effect of missense changes on protein structure and function outputs the following: PolyPhen-2: "Benign". The methionine amino acid residue is found in multiple mammalian species, which suggests that this missense change does not adversely affect protein function. In summary, the available evidence is currently insufficient to determine the role of this variant in disease. Therefore, it has been classified as a Variant of Uncertain Significance.

Athena Diagnostics
Classification: Likely benign. Last evaluated: 2024-11-20. Review status: criteria provided, single submitter. Criteria: Athena Diagnostics Criteria. Collection method: clinical testing. Allele origin: unknown.

Revvity Omics, Revvity
Classification: Likely benign. Last evaluated: 2023-04-11. Review status: criteria provided, single submitter. Criteria: ACMG Guidelines, 2015. Collection method: clinical testing. Allele origin: germline.

Ambry Genetics
Classification: Likely benign for Inborn genetic diseases. Last evaluated: 2021-09-01. Review status: criteria provided, single submitter. Criteria: Ambry Variant Classification Scheme 2023. Collection method: clinical testing. Allele origin: germline.

Eurofins Ntd Llc (ga)
Classification: Uncertain significance. Last evaluated: 2018-05-10. Review status: criteria provided, single submitter. Criteria: EGL ClinVar v180209 classification definitions. Collection method: clinical testing. Allele origin: germline. Observed: 3 variant alleles, 3 heterozygotes.

ARUP Laboratories, Molecular Genetics and Genomics, ARUP Laboratories
Classification: Uncertain significance. Last evaluated: 2018-05-05. Review status: criteria provided, single submitter. Criteria: ARUP Molecular Germline Variant Investigation Process. Collection method: clinical testing. Allele origin: germline.
Comment: The SYNE1 c.11549C>;T p.Thr3850Met variant (rs202173395, ClinVar variant ID 288306), to our knowledge, is not reported in the medical literature, gene specific variation databases, nor has it been previously identified by our laboratory. This variant is listed in the genome Aggregation Database (gnomAD) with an overall population frequency of 0.01% (identified on 41 out of 275,840 chromosomes). The threonine at position 3850 is weakly conserved, considering 12 species, and computational analyses of the effects of the p.Thr3850Met variant on protein structure and function do not predict a deleterious effect (SIFT: tolerated, PolyPhen-2: benign). Based on the available information, the clinical significance of the p.Thr3850Met variant cannot be determined with certainty.

GeneDx
Classification: Uncertain significance. Last evaluated: 2017-08-01. Review status: criteria provided, single submitter. Criteria: GeneDx Variant Classification (06012015). Collection method: clinical testing. Allele origin: germline. Affected: yes.
Comment: A variant of uncertain significance has been identified in the SYNE1 gene. The T3850M variant has not been published as a pathogenic variant, nor has it been reported as a benign variant to our knowledge. The T3850M variant is observed in 10/66,720 (0.015%) alleles from individuals of European background (Lek et al., 2016; 1000 Genomes Consortium et al., 2015; Exome Variant Server). The T3850M variant is a non-conservative amino acid substitution, which is likely to impact secondary protein structure as these residues differ in polarity, charge, size and/or other properties. However, this substitution occurs at a position that is not conserved, and Methionine has been observed at this position in evolution. Additionally, missense variants in nearby residues have not been reported in the Human Gene Mutation Database in association with SYNE1-related disorders (Stenson et al., 2014). In silico analysis is inconsistent in its predictions as to whether or not the variant is damaging to the protein structure/function. Therefore, based on the currently available information, it is unclear whether this variant is a pathogenic variant or a rare benign variant.

NM_182961.4(SYNE1):c.11594C>T (p.Thr3865Met)

Gene: SYNE1 (spectrin repeat containing nuclear envelope protein 1; minus strand). Cytogenetic location: 6q25.2.
Variant type: single nucleotide variant.
Coding change: c.11594C>T on transcript NM_182961.4 (MANE Select); coding-DNA position 11594, C replaced by T.
Protein change: p.Thr3865Met; replaces threonine 3865 with methionine.
Molecular consequence: missense variant.
Genome position (GRCh38, 1-based): chr6:152,350,757, G>A on the plus strand (C>T on the coding strand, the complement: SYNE1 is on the minus strand). VCF-style: chr6-152350757-G-A. GRCh37 (hg19) VCF-style: chr6-152671892-G-A.
Other names: c.11549C>T, p.Thr3850Met (NM_033071.5); short protein forms T3865M, T3850M.
Identifiers: ClinVar variation 288306 (VCV000288306.24), dbSNP rs202173395, ClinGen allele CA4056643.